The following is an entry in ClinVar:

NM_006218.4(PIK3CA):c.385G>T (p.Asp129Tyr)

Gene: PIK3CA (phosphatidylinositol-4,5-bisphosphate 3-kinase catalytic subunit alpha; plus strand). Cytogenetic location: 3q26.32.
Variant type: single nucleotide variant.
Coding change: c.385G>T on transcript NM_006218.4 (MANE Select); coding-DNA position 385, G replaced by T.
Protein change: p.Asp129Tyr; replaces aspartic acid 129 with tyrosine.
Molecular consequence: missense variant.
Genome position (GRCh38, 1-based): chr3:179,199,722, G>T. VCF-style: chr3-179199722-G-T. GRCh37 (hg19) VCF-style: chr3-178917510-G-T.
Other names: short protein forms D129Y.
Identifiers: ClinVar variation 4136790 (VCV004136790.1).
Genomic context (GRCh38, chr3:179,199,722, plus strand): 5'-TTATATTCTTTATGTAATTTTATTAAAGGTTTTGCTATCGGCATGCCAGTGTGTGAATTT[G>T]ATATGGTTAAAGATCCAGAAGTACAGGACTTCCGAAGAAATATTCTGAACGTTTGTAAAG-3'
Protein context (NP_006209.2, residues 119-139): FAIGMPVCEF[Asp129Tyr]MVKDPEVQDF

ClinVar aggregate classification (germline): Uncertain significance (1 of 4 stars; one submission).

Conditions:
Inborn genetic diseases. Identifiers: MedGen C0950123, MeSH D030342.

Submission:

Ambry Genetics
Classification: Uncertain significance for Inborn genetic diseases. Last evaluated: 2025-07-24. Review status: criteria provided, single submitter. Criteria: Ambry Variant Classification Scheme 2023. Collection method: clinical testing. Allele origin: germline.
Comment: The p.D129Y variant (also known as c.385G>T), located in coding exon 2 of the PIK3CA gene, results from a G to T substitution at nucleotide position 385. The aspartic acid at codon 129 is replaced by tyrosine, an amino acid with highly dissimilar properties. This amino acid position is conserved. In addition, this alteration is predicted to be deleterious by in silico analysis. Based on the available evidence, the clinical significance of this variant remains unclear.